The following is an entry in ClinVar:

ClinVar aggregate classification (germline): Likely benign. Review status: criteria provided, multiple submitters, no conflicts (2 of 4 stars). 2 submissions from 2 submitters: Likely benign (2). Last evaluated 2024-05-16.

Conditions:
Charcot-Marie-Tooth disease axonal type 2O. Also called: Charcot-Marie-Tooth disease, axonal, type 20; CHARCOT-MARIE-TOOTH NEUROPATHY, AXONAL, TYPE 2O; CHARCOT-MARIE-TOOTH DISEASE, AXONAL, AUTOSOMAL DOMINANT, TYPE 2O; Charcot-Marie-Tooth Neuropathy Type 2O. Identifiers: Orphanet 284232, MedGen C3280220, MONDO:0013644, OMIM 614228.

Allele frequency attached by ClinVar (database versions not stated): TOPMed 0.00002.
gnomAD v4.1: 2 of 1,613,772 alleles (0.00012%); highest among the groups gnomAD compares: Admixed American, 0.0017%; no homozygotes.

Submissions (2):

Labcorp Genetics (formerly Invitae), Labcorp
Classification: Likely benign for Charcot-Marie-Tooth disease axonal type 2O. Last evaluated: 2024-05-16. Review status: criteria provided, single submitter. Criteria: Invitae Variant Classification Sherloc (09022015). Collection method: clinical testing. Allele origin: germline.

GeneDx
Classification: Likely benign. Last evaluated: 2018-03-26. Review status: criteria provided, single submitter. Criteria: GeneDx Variant Classification (06012015). Collection method: clinical testing. Allele origin: germline. Affected: yes.
Comment: This variant is considered likely benign or benign based on one or more of the following criteria: it is a conservative change, it occurs at a poorly conserved position in the protein, it is predicted to be benign by multiple in silico algorithms, and/or has population frequency not consistent with disease.

NM_001376.5(DYNC1H1):c.7212G>C (p.Glu2404Asp)

Gene: DYNC1H1 (dynein cytoplasmic 1 heavy chain 1; plus strand). Cytogenetic location: 14q32.31.
Variant type: single nucleotide variant.
Coding change: c.7212G>C on transcript NM_001376.5 (MANE Select); coding-DNA position 7212, G replaced by C.
Protein change: p.Glu2404Asp; replaces glutamic acid 2404 with aspartic acid.
Molecular consequence: missense variant.
Genome position (GRCh38, 1-based): chr14:102,015,302, G>C. VCF-style: chr14-102015302-G-C. GRCh37 (hg19) VCF-style: chr14-102481639-G-C.
Other names: short protein forms E2404D.
Identifiers: ClinVar variation 677155 (VCV000677155.10), dbSNP rs779649338, ClinGen allele CA7352759.